The following is an entry in ClinVar:

NM_000038.6(APC):c.5998A>T (p.Ser2000Cys)

Gene: APC (APC regulator of Wnt signaling pathway; plus strand). Cytogenetic location: 5q22.2.
Variant type: single nucleotide variant.
Coding change: c.5998A>T on transcript NM_000038.6 (MANE Select); coding-DNA position 5998, A replaced by T.
Protein change: p.Ser2000Cys; replaces serine 2000 with cysteine.
Molecular consequence: missense variant. On other transcripts: non-coding transcript variant (2).
Genome position (GRCh38, 1-based): chr5:112,841,592, A>T. VCF-style: chr5-112841592-A-T. GRCh37 (hg19) VCF-style: chr5-112177289-A-T.
Other names: c.5998A>T, p.Ser2000Cys (NM_001127510.3, NM_001354895.2, NM_001407450.1); c.5944A>T, p.Ser1982Cys (NM_001127511.3); c.6052A>T, p.Ser2018Cys (NM_001354896.2, NM_001407447.1, NM_001407448.1 and 1 more transcripts); c.6028A>T, p.Ser2010Cys (NM_001354897.2); c.5923A>T, p.Ser1975Cys (NM_001354898.2); c.5914A>T, p.Ser1972Cys (NM_001354899.2); c.5875A>T, p.Ser1959Cys (NM_001354900.2); c.5821A>T, p.Ser1941Cys (NM_001354901.2, NM_001407453.1); and 11 more; short protein forms S1899C, S1959C, S1993C, S2000C, S1717C, S1972C, S1975C, S1990C.
Identifiers: ClinVar variation 2586984 (VCV002586984.2), dbSNP rs587782271, ClinGen allele CA16034459.

ClinVar aggregate classification (germline): Uncertain significance (1 of 4 stars; one submission).

Conditions:
Hereditary cancer-predisposing syndrome. Also called: Hereditary neoplastic syndrome; Tumor predisposition; Hereditary Cancer Syndrome; Neoplastic Syndromes, Hereditary. Identifiers: Orphanet 140162, MedGen C0027672, MeSH D009386, MONDO:0015356.

Submission:

Ambry Genetics
Classification: Uncertain significance for Hereditary cancer-predisposing syndrome. Last evaluated: 2023-06-23. Review status: criteria provided, single submitter. Criteria: Ambry Variant Classification Scheme 2023. Collection method: clinical testing. Allele origin: germline.
Comment: The p.S2000C variant (also known as c.5998A>T), located in coding exon 15 of the APC gene, results from an A to T substitution at nucleotide position 5998. The serine at codon 2000 is replaced by cysteine, an amino acid with dissimilar properties. This amino acid position is conserved. In addition, in silico predictors for this gene do not accurately predict pathogenicity. Since supporting evidence is limited at this time, the clinical significance of this alteration remains unclear.